The following is an entry in ClinVar:

NM_000540.3(RYR1):c.24C>A (p.Asp8Glu)

Gene: RYR1 (ryanodine receptor 1; plus strand). Cytogenetic location: 19q13.2.
Variant type: single nucleotide variant.
Coding change: c.24C>A on transcript NM_000540.3 (MANE Select); coding-DNA position 24, C replaced by A.
Protein change: p.Asp8Glu; replaces aspartic acid 8 with glutamic acid.
Molecular consequence: missense variant.
Genome position (GRCh38, 1-based): chr19:38,433,853, C>A. VCF-style: chr19-38433853-C-A. GRCh37 (hg19) VCF-style: chr19-38924493-C-A.
Other names: c.24C>A, p.Asp8Glu (NM_001042723.2); short protein forms D8E.
Identifiers: ClinVar variation 1312192 (VCV001312192.3), dbSNP rs1331891798, ClinGen allele CA405668352.

ClinVar aggregate classification (germline): Uncertain significance. Review status: criteria provided, multiple submitters, no conflicts (2 of 4 stars). 3 submissions from 3 submitters: Uncertain significance (3). Last evaluated 2023-08-15.

Conditions:
Congenital multicore myopathy with external ophthalmoplegia (CMYO1B). Also called: Minicore myopathy with external ophthalmoplegia; MULTIMINICORE DISEASE WITH EXTERNAL OPHTHALMOPLEGIA; MULTICORE MYOPATHY; Congenital myopathy 1B, autosomal recessive; Minicore myopathy. Identifiers: Orphanet 598, Orphanet 98905, MedGen C1850674, MONDO:0009712, OMIM 255320, HP:0003789.
Malignant hyperthermia, susceptibility to, 1 (MHS1). Also called: RYR1-Related Malignant Hyperthermia Susceptibility; Anesthesia related hyperthermia; Malignant hyperpyrexia; Fulminating hyperpyrexia; Pharmacogenic myopathy; Malignant hyperthermia suceptibility 1. Identifiers: Orphanet 423, MedGen C2930980, MONDO:0007783, OMIM 145600.

Allele frequency attached by ClinVar (database versions not stated): TOPMed below 0.00001.

Submissions (3):

All of Us Research Program, National Institutes of Health
Classification: Uncertain significance for Malignant hyperthermia, susceptibility to, 1. Last evaluated: 2023-08-15. Review status: criteria provided, single submitter. Criteria: ACMG Guidelines, 2015. Collection method: clinical testing. Allele origin: germline. Inheritance: Autosomal dominant inheritance. Observed: 1 variant allele, 1 heterozygote.
Comment: This study involves interpretation of variants in research participants for the purpose of population health screening. Participant phenotype was not available at the time of variant classification. Additional details can be found in publication PMID: 35346344, PMCID: PMC8962531

GeneDx
Classification: Uncertain significance. Last evaluated: 2021-05-03. Review status: criteria provided, single submitter. Criteria: GeneDx Variant Classification Process June 2021. Collection method: clinical testing. Allele origin: germline. Affected: yes.
Comment: Not observed in large population cohorts (Lek et al., 2016); In silico analysis supports that this missense variant does not alter protein structure/function; Has not been previously published as pathogenic or benign to our knowledge

Neuberg Centre For Genomic Medicine, NCGM
Classification: Uncertain significance for Congenital multicore myopathy with external ophthalmoplegia. Review status: criteria provided, single submitter. Criteria: ACMG Guidelines, 2015. Collection method: clinical testing. Allele origin: germline. Inheritance: Autosomal recessive inheritance. Affected: yes.
Comment: The missense variant p.D8E in RYR1 (NM_000540.3) has not been reported previously as a pathogenic variant nor as a benign variant, to our knowledge. The p.D8E variant is novel (not in any individuals) in gnomAD Exomes and is novel (not in any individuals) in 1000 Genomes. In silico tools are contradictory (SIFT-Damaging, Polyphen- Tolerated) and the residue is weakly conserved across species. For these reasons, this variant has been classified as Uncertain Significance.